The following is an entry in ClinVar:

NM_001165963.4(SCN1A):c.5202C>T (p.Leu1734=)

Genes: SCN1A (sodium voltage-gated channel alpha subunit 1; minus strand), LOC102724058 (uncharacterized LOC102724058; plus strand). Cytogenetic location: 2q24.3.
Variant type: single nucleotide variant.
Coding change: c.5202C>T on transcript NM_001165963.4 (MANE Select); coding-DNA position 5202, C replaced by T.
Protein change: p.Leu1734=; no amino-acid change (leucine 1734 retained).
Molecular consequence: synonymous variant. On other transcripts: non-coding transcript variant (1).
Genome position (GRCh38, 1-based): chr2:165,992,073, G>A on the plus strand (C>T on the coding strand, the complement: SCN1A is on the minus strand). VCF-style: chr2-165992073-G-A. GRCh37 (hg19) VCF-style: chr2-166848583-G-A.
Other names: c.5118C>T, p.Leu1706= (NM_001165964.3, NM_001353957.2, NM_001353958.2); c.5202C>T, p.Leu1734= (NM_001202435.3, NM_001353948.2); c.5169C>T, p.Leu1723= (NM_001353949.2, NM_001353950.2, NM_001353951.2 and 2 more transcripts); c.5166C>T, p.Leu1722= (NM_001353954.2, NM_001353955.2); c.5115C>T, p.Leu1705= (NM_001353960.2); c.2760C>T, p.Leu920= (NM_001353961.2).
Identifiers: ClinVar variation 1134339 (VCV001134339.47), dbSNP rs140664455, ClinGen allele CA59798528.
Genomic context (GRCh38, chr2:165,992,073, plus strand): 5'-TCCCTTAACTGAGCTTCCAGGGTTAACTTTATTAGGGTCACAGTCGGGTGGCTTACTGTT[G>A]AGAATGGGTGCTAGCAATCCATCCCAGCCAGCAGAGGTTGTAATTTGGAATAGGCAGATC-3'
Protein context (NP_001159435.1, residues 1724-1744): AGWDGLLAPI[Leu1734=]NSKPPDCDPN

ClinVar aggregate classification (germline): Likely benign. Review status: criteria provided, multiple submitters, no conflicts (2 of 4 stars). 3 submissions from 3 submitters: Likely benign (3). Last evaluated 2025-12-01.

Conditions:
Early-infantile DEE. Also called: Ohtahara syndrome; Early infantile epileptic encephalopathy; Early infantile epileptic encephalopathy with suppression bursts. Identifiers: Orphanet 1934, MedGen C0393706, MONDO:0800491.

Allele frequency attached by ClinVar (database versions not stated): gnomAD exomes below 0.00001 and 0.00002; gnomAD 0.00001; TOPMed 0.00002; ESP Exome Variant Server 0.00008.

Submissions (3):

CeGaT Center for Human Genetics Tuebingen
Classification: Likely benign. Last evaluated: 2025-12-01. Review status: criteria provided, single submitter. Criteria: CeGaT Center For Human Genetics Tuebingen Variant Classification Criteria Version 2. Collection method: clinical testing. Allele origin: germline. Affected: yes. Observed: 4 variant alleles.
Comment: SCN1A: BP4, BP7

Labcorp Genetics (formerly Invitae), Labcorp
Classification: Likely benign for Early-infantile DEE. Last evaluated: 2025-09-27. Review status: criteria provided, single submitter. Criteria: Invitae Variant Classification Sherloc (09022015). Collection method: clinical testing. Allele origin: germline.

GeneDx
Classification: Likely benign. Last evaluated: 2023-07-13. Review status: criteria provided, single submitter. Criteria: GeneDx Variant Classification Process June 2021. Collection method: clinical testing. Allele origin: germline. Affected: yes.
Comment: See Variant Classification Assertion Criteria.